The following is an entry in ClinVar:

ClinVar aggregate classification (germline): Likely benign (0 of 4 stars; one submission).

Conditions:
ASB10-related disorder. Also called: ASB10-related condition.

Allele frequency attached by ClinVar (database versions not stated): gnomAD 0.00001; gnomAD exomes 0.00001; TOPMed 0.00001.
gnomAD v4.1: 10 of 1,551,118 alleles (0.00064%); highest among the groups gnomAD compares: South Asian, 0.012%; no homozygotes.

Submission:

PreventionGenetics, part of Exact Sciences
Classification: Likely benign for ASB10-related condition. Last evaluated: 2019-05-28. Review status: no assertion criteria provided. Collection method: clinical testing. Allele origin: germline.
Comment: This variant is classified as likely benign based on ACMG/AMP sequence variant interpretation guidelines (Richards et al. 2015 PMID: 25741868, with internal and published modifications).

NM_001142459.2(ASB10):c.1197G>T (p.Leu399=)

Gene: ASB10 (ankyrin repeat and SOCS box containing 10; minus strand). Cytogenetic location: 7q36.1.
Variant type: single nucleotide variant.
Coding change: c.1197G>T on transcript NM_001142459.2 (MANE Select); coding-DNA position 1197, G replaced by T.
Protein change: p.Leu399=; no amino-acid change (leucine 399 retained).
Molecular consequence: synonymous variant. On other transcripts: intron variant (1).
Genome position (GRCh38, 1-based): chr7:151,176,584, C>A on the plus strand (G>T on the coding strand, the complement: ASB10 is on the minus strand). VCF-style: chr7-151176584-C-A. GRCh37 (hg19) VCF-style: chr7-150873671-C-A.
Other names: c.1152G>T, p.Leu384= (NM_080871.4); c.1105-287G>T (NM_001142460.1).
Identifiers: ClinVar variation 3039317 (VCV003039317.2), dbSNP rs1280598642, ClinGen allele CA458652030.